The following is an entry in ClinVar:

ClinVar aggregate classification (germline): Likely pathogenic (1 of 4 stars; one submission).

Conditions:
Autosomal recessive nonsyndromic hearing loss 2. Also called: NEUROSENSORY NONSYNDROMIC RECESSIVE DEAFNESS 2; DEAFNESS, AUTOSOMAL RECESSIVE 2. Identifiers: Orphanet 90636, MedGen C1838701, MONDO:0010807, OMIM 600060.

Submission:

Institute of Rare Diseases, West China Hospital, Sichuan University
Classification: Likely pathogenic for Autosomal recessive nonsyndromic hearing loss 2. Last evaluated: 2025-01-09. Review status: criteria provided, single submitter. Criteria: ClinGen HL ACMG Specifications v1. Collection method: research. Allele origin: germline. Affected: yes.
Comment: PVS1;PM2_Supporting

NM_000260.4(MYO7A):c.5258dup (p.Gln1754fs)

Gene: MYO7A (myosin VIIA; plus strand). Cytogenetic location: 11q13.5.
Variant type: Duplication.
Coding change: c.5258dup on transcript NM_000260.4 (MANE Select); coding-DNA position 5258, one base duplicated (A; older notation c.5258dupA).
Protein change: p.Gln1754fs; shifts the reading frame from glutamine 1754.
Molecular consequence: frameshift variant.
Genome position (GRCh38, 1-based): chr11:77,203,149, A duplicated; the last of 2 consecutive A bases (chr11:77,203,148-77,203,149); duplicating either gives the same sequence. VCF-style (leftmost placement, unchanged base first): chr11-77203147-C-CA. GRCh37 (hg19) VCF-style: chr11-76914192-C-CA.
Other names: c.5144dup, p.Gln1716fs (NM_001127180.2); c.5111dup, p.Gln1705fs (NM_001369365.1); short protein forms Q1705fs, Q1716fs, Q1754fs.
Identifiers: ClinVar variation 3601487 (VCV003601487.1).